The following is an entry in ClinVar:

ClinVar aggregate classification (germline): Benign/Likely benign. Review status: criteria provided, multiple submitters, no conflicts (2 of 4 stars). 5 submissions from 5 submitters: Benign (2); Likely benign (2). 1 of the submissions does not count toward it. Last evaluated 2026-01-25.

Conditions:
KATNB1-related disorder. Also called: KATNB1-related condition.

Allele frequency attached by ClinVar (database versions not stated): gnomAD 0.00055 and 0.00098; TOPMed 0.00096; ExAC 0.00145; 1000 Genomes Project 30x 0.00265; 1000 Genomes Project 0.00300.
gnomAD v4.1: 1,531 of 1,610,694 alleles (0.095%); highest among the groups gnomAD compares: East Asian, 2.4%; 24 homozygotes.

Submissions (5):

Labcorp Genetics (formerly Invitae), Labcorp
Classification: Benign. Last evaluated: 2026-01-25. Review status: criteria provided, single submitter. Criteria: Invitae Variant Classification Sherloc (09022015). Collection method: clinical testing. Allele origin: germline.

Blueprint Genetics
Classification: Likely benign. Last evaluated: 2024-11-18. Review status: criteria provided, single submitter. Criteria: ACMG Guidelines, 2015. Collection method: clinical testing. Allele origin: germline.

CeGaT Center for Human Genetics Tuebingen
Classification: Benign. Last evaluated: 2024-02-01. Review status: criteria provided, single submitter. Criteria: CeGaT Center For Human Genetics Tuebingen Variant Classification Criteria Version 2. Collection method: clinical testing. Allele origin: germline. Affected: yes. Observed: 1 variant allele.
Comment: KATNB1: BP4, BP7, BS1, BS2

GeneDx
Classification: Likely benign. Last evaluated: 2020-01-27. Review status: criteria provided, single submitter. Criteria: GeneDx Variant Classification Process June 2021. Collection method: clinical testing. Allele origin: germline. Affected: yes.

PreventionGenetics, part of Exact Sciences
Classification: Benign for KATNB1-related condition. Last evaluated: 2019-09-10. Review status: no assertion criteria provided. Collection method: clinical testing. Allele origin: germline. Not counted in ClinVar's aggregate classification.
Comment: This variant is classified as benign based on ACMG/AMP sequence variant interpretation guidelines (Richards et al. 2015 PMID: 25741868, with internal and published modifications).

NM_005886.3(KATNB1):c.1416C>T (p.Pro472=)

Gene: KATNB1 (katanin regulatory subunit B1; plus strand). Cytogenetic location: 16q21.
Variant type: single nucleotide variant.
Coding change: c.1416C>T on transcript NM_005886.3 (MANE Select); coding-DNA position 1416, C replaced by T.
Protein change: p.Pro472=; no amino-acid change (proline 472 retained).
Molecular consequence: synonymous variant.
Genome position (GRCh38, 1-based): chr16:57,755,238, C>T. VCF-style: chr16-57755238-C-T. GRCh37 (hg19) VCF-style: chr16-57789150-C-T.
Identifiers: ClinVar variation 724929 (VCV000724929.35), dbSNP rs138373737, ClinGen allele CA8081192.